The following is an entry in ClinVar:

ClinVar aggregate classification (germline): Uncertain significance (0 of 4 stars; one submission).

Conditions:
TACR3-related disorder. Also called: TACR3-related condition.

Submission:

PreventionGenetics, part of Exact Sciences
Classification: Uncertain significance for TACR3-related condition. Last evaluated: 2024-09-03. Review status: no assertion criteria provided. Collection method: clinical testing. Allele origin: germline.
Comment: The TACR3 c.880A>G variant is predicted to result in the amino acid substitution p.Lys294Glu. To our knowledge, this variant has not been reported in the literature or in gnomAD, indicating this variant is rare. At this time, the clinical significance of this variant is uncertain due to the absence of conclusive functional and genetic evidence.

NM_001059.3(TACR3):c.880A>G (p.Lys294Glu)

Gene: TACR3 (tachykinin receptor 3; minus strand). Cytogenetic location: 4q24.
Variant type: single nucleotide variant.
Coding change: c.880A>G on transcript NM_001059.3 (MANE Select); coding-DNA position 880, A replaced by G.
Protein change: p.Lys294Glu; replaces lysine 294 with glutamic acid.
Molecular consequence: missense variant.
Genome position (GRCh38, 1-based): chr4:103,656,202, T>C on the plus strand (A>G on the coding strand, the complement: TACR3 is on the minus strand). VCF-style: chr4-103656202-T-C. GRCh37 (hg19) VCF-style: chr4-104577359-T-C.
Other names: short protein forms K294E.
Identifiers: ClinVar variation 2637234 (VCV002637234.2), dbSNP rs2476286785, ClinGen allele CA357963508.
Genomic context (GRCh38, chr4:103,656,202, plus strand): 5'-TCTGATATACCATAACCTATACAAATGCTAGGTAAACAACATGGACCAGTACCTTTCTTT[T>C]GGCCTTTAGCTGCTCATGATACTTGTCACAGGTATCTCCTGGGATTTCTCCTCCCCAGAG-3'
Protein context (NP_001050.1, residues 284-304): CDKYHEQLKA[Lys294Glu]RKVVKMMIIV